The following is an entry in ClinVar:

ClinVar aggregate classification (germline): Likely pathogenic (1 of 4 stars; one submission).

Conditions:
PMM2-congenital disorder of glycosylation. Also called: Congenital disorder of glycosylation, type Ia; CDG Ia; JAEKEN SYNDROME; PHOSPHOMANNOMUTASE 2 DEFICIENCY; CARBOHYDRATE-DEFICIENT GLYCOPROTEIN SYNDROME, TYPE Ia; PMM2-CDG. Identifiers: Orphanet 79318, MedGen C0349653, MONDO:0008907, OMIM 212065.

Submission:

Natera, Inc.
Classification: Likely pathogenic for Congenital disorder of glycosylation type 1a. Last evaluated: 2025-03-27. Review status: criteria provided, single submitter. Criteria: Natera Variant Classification Schema (03/2026). Collection method: clinical testing. Allele origin: germline.
Comment: The c.572dup variant in PMM2 is a frameshift variant predicted to shift the reading frame and introduce a stop codon. This variant is expected to result in nonsense mediated decay, truncation, or a dysfunctional protein product. This variant is rare in the general population with a frequency below the threshold expected for the associated phenotype(s). Given the available evidence, this variant is classified as Likely Pathogenic.

NM_000303.3(PMM2):c.572dup (p.Tyr191Ter)

Gene: PMM2 (phosphomannomutase 2; plus strand). Cytogenetic location: 16p13.2.
Variant type: Duplication.
Coding change: c.572dup on transcript NM_000303.3 (MANE Select); coding-DNA position 572, one base duplicated (A; older notation c.572dupA).
Protein change: p.Tyr191Ter; replaces tyrosine 191 with a stop codon.
Molecular consequence: nonsense.
Genome position (GRCh38, 1-based): chr16:8,813,039, A duplicated. VCF-style (leftmost placement, unchanged base first): chr16-8813038-T-TA. GRCh37 (hg19) VCF-style: chr16-8906895-T-TA.
Other names: short protein forms Y191*.
Identifiers: ClinVar variation 4060433 (VCV004060433.2).